The following is an entry in ClinVar:

NM_000393.5(COL5A2):c.2987G>A (p.Gly996Asp)

Gene: COL5A2 (collagen type V alpha 2 chain; minus strand). Cytogenetic location: 2q32.2.
Variant type: single nucleotide variant.
Coding change: c.2987G>A on transcript NM_000393.5 (MANE Select); coding-DNA position 2987, G replaced by A.
Protein change: p.Gly996Asp; replaces glycine 996 with aspartic acid.
Molecular consequence: missense variant.
Genome position (GRCh38, 1-based): chr2:189,050,621, C>T on the plus strand (G>A on the coding strand, the complement: COL5A2 is on the minus strand). VCF-style: chr2-189050621-C-T. GRCh37 (hg19) VCF-style: chr2-189915347-C-T.
Other names: short protein forms G996D.
Identifiers: ClinVar variation 4869274 (VCV004869274.1).

ClinVar aggregate classification (germline): Uncertain significance (1 of 4 stars; one submission).

Conditions:
Familial thoracic aortic aneurysm and aortic dissection (TAAD). Also called: Thoracic aortic aneurysms and dissections. Identifiers: Orphanet 91387, MedGen C4707243, MONDO:0019625.

Submission:

Ambry Genetics
Classification: Uncertain significance for Familial thoracic aortic aneurysm and aortic dissection. Last evaluated: 2026-05-28. Review status: criteria provided, single submitter. Criteria: Ambry Variant Classification Scheme 2023. Collection method: clinical testing. Allele origin: germline.
Comment: The p.G996D variant (also known as c.2987G>A), located in coding exon 43 of the COL5A2 gene, results from a G to A substitution at nucleotide position 2987. The glycine at codon 996 is replaced by aspartic acid, an amino acid with similar properties. This amino acid position is conserved. In addition, this alteration is predicted to be deleterious by in silico analysis. Based on the available evidence, the clinical significance of this variant remains unclear.